The following is an entry in ClinVar:

ClinVar aggregate classification (germline): Uncertain significance. Review status: criteria provided, multiple submitters, no conflicts (2 of 4 stars). 2 submissions from 2 submitters: Uncertain significance (2). Last evaluated 2026-08-31.

Conditions:
Inborn genetic diseases. Identifiers: MedGen C0950123, MeSH D030342.

Allele frequency attached by ClinVar (database versions not stated): gnomAD 0.00001; ExAC 0.00002; TOPMed 0.00002; gnomAD exomes 0.00001.
gnomAD v4.1: 13 of 1,613,752 alleles (0.00081%); highest among the groups gnomAD compares: Admixed American, 0.01%; no homozygotes.

Submissions (2):

Ambry Genetics
Classification: Uncertain significance for Inborn genetic diseases. Last evaluated: 2026-08-31. Review status: criteria provided, single submitter. Criteria: Ambry Variant Classification Scheme 2023. Collection method: clinical testing. Allele origin: germline.

Labcorp Genetics (formerly Invitae), Labcorp
Classification: Uncertain significance. Last evaluated: 2022-06-08. Review status: criteria provided, single submitter. Criteria: Invitae Variant Classification Sherloc (09022015). Collection method: clinical testing. Allele origin: germline.
Comment: This sequence change replaces aspartic acid, which is acidic and polar, with asparagine, which is neutral and polar, at codon 863 of the TRAPPC9 protein (p.Asp863Asn). This variant is present in population databases (rs759266423, gnomAD 0.01%). This variant has not been reported in the literature in individuals affected with TRAPPC9-related conditions. Algorithms developed to predict the effect of missense changes on protein structure and function are either unavailable or do not agree on the potential impact of this missense change (SIFT: "Not Available"; PolyPhen-2: "Probably Damaging"; Align-GVGD: "Not Available"). In summary, the available evidence is currently insufficient to determine the role of this variant in disease. Therefore, it has been classified as a Variant of Uncertain Significance.

NM_001160372.4(TRAPPC9):c.2293G>A (p.Asp765Asn)

Gene: TRAPPC9 (trafficking protein particle complex subunit 9; minus strand). Cytogenetic location: 8q24.3.
Variant type: single nucleotide variant.
Coding change: c.2293G>A on transcript NM_001160372.4 (MANE Select); coding-DNA position 2293, G replaced by A.
Protein change: p.Asp765Asn; replaces aspartic acid 765 with asparagine.
Molecular consequence: missense variant. On other transcripts: non-coding transcript variant (1).
Genome position (GRCh38, 1-based): chr8:140,252,915, C>T on the plus strand (G>A on the coding strand, the complement: TRAPPC9 is on the minus strand). VCF-style: chr8-140252915-C-T. GRCh37 (hg19) VCF-style: chr8-141263014-C-T.
Other names: c.2587G>A (NM_031466.5); c.2266G>A, p.Asp756Asn (NM_001321646.2); c.2314G>A, p.Asp772Asn (NM_001374682.1); c.2293G>A, p.Asp765Asn (NM_001374683.1, NM_031466.8); c.2149G>A, p.Asp717Asn (NM_001374684.1); short protein forms D756N, D765N, D717N, D772N.
Identifiers: ClinVar variation 2050256 (VCV002050256.2), dbSNP rs759266423, ClinGen allele CA4893133.